The following is an entry in ClinVar:

ClinVar aggregate classification (germline): Likely pathogenic (1 of 4 stars; one submission).

Allele frequency attached by ClinVar (database versions not stated): gnomAD exomes below 0.00001.
gnomAD v4.1: 1 of 1,604,076 alleles (0.000062%); highest among the groups gnomAD compares: African/African-American, 0.0013%; no homozygotes.

Submission:

GeneDx
Classification: Likely pathogenic. Last evaluated: 2022-09-20. Review status: criteria provided, single submitter. Criteria: GeneDx Variant Classification Process June 2021. Collection method: clinical testing. Allele origin: germline. Affected: yes.
Comment: Nonsense variant predicted to result in protein truncation or nonsense mediated decay in a gene for which loss-of-function is a known mechanism of disease; Not observed in large population cohorts (gnomAD); Has not been previously published as pathogenic or benign to our knowledge

NM_013296.5(GPSM2):c.952A>T (p.Arg318Ter)

Gene: GPSM2 (G protein signaling modulator 2; plus strand). Cytogenetic location: 1p13.3.
Variant type: single nucleotide variant.
Coding change: c.952A>T on transcript NM_013296.5 (MANE Select); coding-DNA position 952, A replaced by T.
Protein change: p.Arg318Ter; replaces arginine 318 with a stop codon.
Molecular consequence: nonsense.
Genome position (GRCh38, 1-based): chr1:108,901,944, A>T. VCF-style: chr1-108901944-A-T. GRCh37 (hg19) VCF-style: chr1-109444566-A-T.
Other names: c.952A>T, p.Arg318Ter (NM_001321038.2, NM_001321039.3); short protein forms R318*.
Identifiers: ClinVar variation 1706692 (VCV001706692.2), dbSNP rs2524924265, ClinGen allele CA341464416.